The following is an entry in ClinVar:

NM_000551.4(VHL):c.565G>A (p.Glu189Lys)

Genes: VHL (von Hippel-Lindau tumor suppressor; plus strand), LOC107303340 (3p25 von Hippel-Lindau tumor suppressor, E3 ubiquitin protein ligase Alu-mediated recombination region; plus strand). Cytogenetic location: 3p25.3.
Variant type: single nucleotide variant.
Coding change: c.565G>A on transcript NM_000551.4 (MANE Select); coding-DNA position 565, G replaced by A.
Protein change: p.Glu189Lys; replaces glutamic acid 189 with lysine.
Molecular consequence: missense variant. On other transcripts: 3 prime UTR variant (1).
Genome position (GRCh38, 1-based): chr3:10,149,888, G>A. VCF-style: chr3-10149888-G-A. GRCh37 (hg19) VCF-style: chr3-10191572-G-A.
Other names: c.*119G>A (NM_001354723.2); c.442G>A, p.Glu148Lys (NM_198156.3); c.565G>A (NM_000551.3); short protein forms E148K, E189K.
Identifiers: ClinVar variation 1345670 (VCV001345670.7), dbSNP rs762790375, ClinGen allele CA041671.

ClinVar aggregate classification (germline): Uncertain significance. Review status: criteria provided, multiple submitters, no conflicts (2 of 4 stars). 2 submissions from 2 submitters: Uncertain significance (2). Last evaluated 2025-12-17.

Conditions:
Chuvash polycythemia. Also called: POLYCYTHEMIA, VHL-DEPENDENT. Identifiers: Orphanet 238557, MedGen C1837915, MONDO:0009892, OMIM 263400.
Von Hippel-Lindau syndrome (VHLS). Also called: von Hippel–Lindau syndrome; VHL syndrome; Von Hippel-Lindau. Identifiers: Orphanet 892, MedGen C0019562, MONDO:0008667, OMIM 193300. Disease mechanism: loss of function.
Hereditary cancer-predisposing syndrome. Also called: Hereditary neoplastic syndrome; Tumor predisposition; Neoplastic Syndromes, Hereditary; Hereditary Cancer Syndrome. Identifiers: Orphanet 140162, MedGen C0027672, MeSH D009386, MONDO:0015356.

Allele frequency attached by ClinVar (database versions not stated): gnomAD exomes below 0.00001; ExAC 0.00001; gnomAD 0.00001.

Submissions (2):

Ambry Genetics
Classification: Uncertain significance for Hereditary cancer-predisposing syndrome. Last evaluated: 2025-12-17. Review status: criteria provided, single submitter. Criteria: Ambry Variant Classification Scheme 2023. Collection method: clinical testing. Allele origin: germline.
Comment: The p.E189K variant (also known as c.565G>A), located in coding exon 3 of the VHL gene, results from a G to A substitution at nucleotide position 565. The glutamic acid at codon 189 is replaced by lysine, an amino acid with similar properties. This variant was determined to be functionally neutral in one saturation genome editing assay (Buckley M et al. Nat Genet, 2024 Jul;56:1446-1455). This amino acid position is highly conserved in available vertebrate species. In addition, this alteration is predicted to be deleterious by in silico analysis. Based on the available evidence, the clinical significance of this variant remains unclear.

Labcorp Genetics (formerly Invitae), Labcorp
Classification: Uncertain significance for Von Hippel-Lindau syndrome; Chuvash polycythemia. Last evaluated: 2022-10-02. Review status: criteria provided, single submitter. Criteria: Invitae Variant Classification Sherloc (09022015). Collection method: clinical testing. Allele origin: germline.
Comment: ClinVar contains an entry for this variant (Variation ID: 1345670). In summary, the available evidence is currently insufficient to determine the role of this variant in disease. Therefore, it has been classified as a Variant of Uncertain Significance. Advanced modeling of protein sequence and biophysical properties (such as structural, functional, and spatial information, amino acid conservation, physicochemical variation, residue mobility, and thermodynamic stability) performed at Invitae indicates that this missense variant is expected to disrupt VHL protein function. This variant has not been reported in the literature in individuals affected with VHL-related conditions. This variant is present in population databases (rs762790375, gnomAD 0.003%). This sequence change replaces glutamic acid, which is acidic and polar, with lysine, which is basic and polar, at codon 189 of the VHL protein (p.Glu189Lys).

Literature cited by the submitters: PubMed 38969834 (cited by Ambry Genetics).